The following is an entry in ClinVar:

NM_001190787.3(MCIDAS):c.1142G>T (p.Arg381Leu)

Gene: MCIDAS (multiciliate differentiation and DNA synthesis associated cell cycle protein; minus strand). Cytogenetic location: 5q11.2.
Variant type: single nucleotide variant.
Coding change: c.1142G>T on transcript NM_001190787.3 (MANE Select); coding-DNA position 1142, G replaced by T.
Protein change: p.Arg381Leu; replaces arginine 381 with leucine.
Molecular consequence: missense variant.
Genome position (GRCh38, 1-based): chr5:55,220,382, C>A on the plus strand (G>T on the coding strand, the complement: MCIDAS is on the minus strand). VCF-style: chr5-55220382-C-A. GRCh37 (hg19) VCF-style: chr5-54516210-C-A.
Other names: short protein forms R381L.
Identifiers: ClinVar variation 3669408 (VCV003669408.1).

ClinVar aggregate classification (germline): Uncertain significance (1 of 4 stars; one submission).

Conditions:
Primary ciliary dyskinesia. Also called: Ciliary dyskinesia. Identifiers: Orphanet 244, MedGen C0008780, MONDO:0016575, HP:0012265.

gnomAD v4.1: 4 of 1,534,764 alleles (0.00026%); highest among the groups gnomAD compares: Admixed American, 0.002%; no homozygotes.

Submission:

Labcorp Genetics (formerly Invitae), Labcorp
Classification: Uncertain significance for Primary ciliary dyskinesia. Last evaluated: 2024-11-12. Review status: criteria provided, single submitter. Criteria: Invitae Variant Classification Sherloc (09022015). Collection method: clinical testing. Allele origin: germline.
Comment: This sequence change replaces arginine, which is basic and polar, with leucine, which is neutral and non-polar, at codon 381 of the MCIDAS protein (p.Arg381Leu). This variant is not present in population databases (gnomAD no frequency). This variant has not been reported in the literature in individuals affected with MCIDAS-related conditions. Invitae Evidence Modeling of protein sequence and biophysical properties (such as structural, functional, and spatial information, amino acid conservation, physicochemical variation, residue mobility, and thermodynamic stability) has been performed for this missense variant. However, the output from this modeling did not meet the statistical confidence thresholds required to predict the impact of this variant on MCIDAS protein function. This variant disrupts the p.Arg381 amino acid residue in MCIDAS. Other variant(s) that disrupt this residue have been determined to be pathogenic (PMID: 8813877, 25048963; internal data). This suggests that this residue is clinically significant, and that variants that disrupt this residue are likely to be disease-causing. In summary, the available evidence is currently insufficient to determine the role of this variant in disease. Therefore, it has been classified as a Variant of Uncertain Significance.

Literature cited by the submitters: PubMed 8813877; PubMed 25048963.